The following is an entry in ClinVar:

ClinVar aggregate classification (germline): Uncertain significance (1 of 4 stars; one submission).

Conditions:
Brugada syndrome. Also called: Sudden unexpected nocturnal death syndrome; Sudden unexplained nocturnal death syndrome; Sudden Unexplained Death Syndrome; Sudden Unexplained Nocturnal Death Syndrome (SUNDS). Identifiers: Orphanet 130, MedGen C1142166, MONDO:0015263.

Allele frequency attached by ClinVar (database versions not stated): gnomAD exomes below 0.00001.
gnomAD v4.1: 1 of 1,614,156 alleles (0.000062%); highest among the groups gnomAD compares: Non-Finnish European, 0.000085%; no homozygotes.

Submission:

Labcorp Genetics (formerly Invitae), Labcorp
Classification: Uncertain significance for Brugada syndrome. Last evaluated: 2023-09-10. Review status: criteria provided, single submitter. Criteria: Invitae Variant Classification Sherloc (09022015). Collection method: clinical testing. Allele origin: germline.
Comment: This sequence change replaces isoleucine, which is neutral and non-polar, with threonine, which is neutral and polar, at codon 168 of the GPD1L protein (p.Ile168Thr). This variant is not present in population databases (gnomAD no frequency). An algorithm developed to predict the effect of missense changes on protein structure and function (PolyPhen-2) suggests that this variant is likely to be disruptive. In summary, the available evidence is currently insufficient to determine the role of this variant in disease. Therefore, it has been classified as a Variant of Uncertain Significance. This variant has not been reported in the literature in individuals affected with GPD1L-related conditions. ClinVar contains an entry for this variant (Variation ID: 1001664).

NM_015141.4(GPD1L):c.503T>C (p.Ile168Thr)

Gene: GPD1L (glycerol-3-phosphate dehydrogenase 1 like; plus strand). Cytogenetic location: 3p22.3.
Variant type: single nucleotide variant.
Coding change: c.503T>C on transcript NM_015141.4 (MANE Select); coding-DNA position 503, T replaced by C.
Protein change: p.Ile168Thr; replaces isoleucine 168 with threonine.
Molecular consequence: missense variant.
Genome position (GRCh38, 1-based): chr3:32,140,364, T>C. VCF-style: chr3-32140364-T-C. GRCh37 (hg19) VCF-style: chr3-32181856-T-C.
Other names: short protein forms I168T.
Identifiers: ClinVar variation 1001664 (VCV001001664.5), dbSNP rs1700725665, ClinGen allele CA351974977.